The following is an entry in ClinVar:

ClinVar aggregate classification (germline): Uncertain significance (1 of 4 stars; one submission).

Submission:

CeGaT Center for Human Genetics Tuebingen
Classification: Uncertain significance. Last evaluated: 2024-02-01. Review status: criteria provided, single submitter. Criteria: CeGaT Center For Human Genetics Tuebingen Variant Classification Criteria Version 2. Collection method: clinical testing. Allele origin: germline. Affected: yes. Observed: 1 variant allele.
Comment: HSF2BP: PM2, PM4

NM_007031.2(HSF2BP):c.634_645del (p.Asp212_Leu215del)

Gene: HSF2BP (heat shock transcription factor 2 binding protein; minus strand). Cytogenetic location: 21q22.3.
Variant type: Deletion.
Coding change: c.634_645del on transcript NM_007031.2 (MANE Select); coding-DNA positions 634 to 645, 12 bases deleted (GACACCATATTG).
Protein change: p.Asp212_Leu215del.
Molecular consequence: inframe deletion.
Genome position (GRCh38, 1-based): chr21:43,613,877-43,613,888, CAATATGGTGTC deleted on the plus strand (GACACCATATTG on the coding strand, the reverse complement: HSF2BP is on the minus strand); deleting any 12 consecutive bases within chr21:43,613,877-43,613,891 gives the same sequence; the c. name uses the placement nearest the transcript's 3' end. VCF-style (leftmost placement, unchanged base first): chr21-43613876-GCAATATGGTGTC-G. GRCh37 (hg19) VCF-style: chr21-45033757-GCAATATGGTGTC-G.
Identifiers: ClinVar variation 3027050 (VCV003027050.22), dbSNP rs775800049, ClinGen allele CA10047349.